The following is an entry in ClinVar:

ClinVar aggregate classification (germline): Conflicting classifications of pathogenicity. Review status: criteria provided, conflicting classifications (1 of 4 stars). 2 submissions from 2 submitters: Uncertain significance (1); Likely benign (1). Last evaluated 2025-05-03.

Conditions:
Erythrocytosis, familial, 3 (ECYT3). Identifiers: Orphanet 247511, MedGen C1853286, MONDO:0012353, OMIM 609820.

Allele frequency attached by ClinVar (database versions not stated): TOPMed below 0.00001; gnomAD 0.00001.
gnomAD v4.1: 3 of 1,474,780 alleles (0.0002%); highest among the groups gnomAD compares: Non-Finnish European, 0.00027%; no homozygotes.

Submissions (2):

Ambry Genetics
Classification: Likely benign. Last evaluated: 2025-05-03. Review status: criteria provided, single submitter. Criteria: Ambry Variant Classification Scheme 2023. Collection method: clinical testing. Allele origin: germline.

Labcorp Genetics (formerly Invitae), Labcorp
Classification: Uncertain significance for Erythrocytosis, familial, 3. Last evaluated: 2019-01-30. Review status: criteria provided, single submitter. Criteria: Invitae Variant Classification Sherloc (09022015). Collection method: clinical testing. Allele origin: germline.
Comment: In summary, the available evidence is currently insufficient to determine the role of this variant in disease. Therefore, it has been classified as a Variant of Uncertain Significance. Algorithms developed to predict the effect of missense changes on protein structure and function output the following: SIFT: "Tolerated"; PolyPhen-2: "Possibly Damaging"; Align-GVGD: "Class C0". The leucine amino acid residue is found in multiple mammalian species, suggesting that this missense change does not adversely affect protein function. These predictions have not been confirmed by published functional studies and their clinical significance is uncertain. This variant has not been reported in the literature in individuals with EGLN1-related conditions. The frequency data for this variant in the population databases is considered unreliable, as metrics indicate insufficient coverage at this position in the ExAC database. This sequence change replaces proline with leucine at codon 11 of the EGLN1 protein (p.Pro11Leu). The proline residue is weakly conserved and there is a moderate physicochemical difference between proline and leucine.

NM_022051.3(EGLN1):c.32C>T (p.Pro11Leu)

Gene: EGLN1 (egl-9 family hypoxia inducible factor 1; minus strand). Cytogenetic location: 1q42.2.
Variant type: single nucleotide variant.
Coding change: c.32C>T on transcript NM_022051.3 (MANE Select); coding-DNA position 32, C replaced by T.
Protein change: p.Pro11Leu; replaces proline 11 with leucine.
Molecular consequence: missense variant.
Genome position (GRCh38, 1-based): chr1:231,421,857, G>A on the plus strand (C>T on the coding strand, the complement: EGLN1 is on the minus strand). VCF-style: chr1-231421857-G-A. GRCh37 (hg19) VCF-style: chr1-231557603-G-A.
Other names: c.32C>T, p.Pro11Leu (NM_001377260.1, NM_001377261.1); short protein forms P11L.
Identifiers: ClinVar variation 838336 (VCV000838336.7), dbSNP rs1198122970, ClinGen allele CA345239431.